The following is an entry in ClinVar:

ClinVar aggregate classification (germline): Uncertain significance (1 of 4 stars; one submission).

Allele frequency attached by ClinVar (database versions not stated): TOPMed below 0.00001; gnomAD 0.00002.
gnomAD v4.1: 5 of 1,565,058 alleles (0.00032%); highest among the groups gnomAD compares: African/African-American, 0.0028%; no homozygotes.

Submission:

Women's Health and Genetics/Laboratory Corporation of America, LabCorp
Classification: Uncertain significance. Last evaluated: 2024-04-23. Review status: criteria provided, single submitter. Criteria: LabCorp Variant Classification Summary - May 2015. Collection method: clinical testing. Allele origin: germline.
Comment: Variant summary: KMT2C c.1621+7T>C alters a non-conserved nucleotide located close to a canonical splice site and therefore could affect mRNA splicing, leading to a significantly altered protein sequence. Consensus agreement among computation tools predict no significant impact on normal splicing. However, these predictions have yet to be confirmed by functional studies. The variant allele was found at a frequency of 4.5e-06 in 223552 control chromosomes (gnomAD). The available data on variant occurrences in the general population are insufficient to allow any conclusion about variant significance. To our knowledge, no occurrence of c.1621+7T>C in individuals affected with Kleefstra Syndrome 2 and no experimental evidence demonstrating its impact on protein function have been reported. No submitters have cited clinical-significance assessments for this variant to ClinVar. Based on the evidence outlined above, the variant was classified as uncertain significance.

NM_170606.3(KMT2C):c.1621+7T>C

Gene: KMT2C (lysine methyltransferase 2C; minus strand). Cytogenetic location: 7q36.1.
Variant type: single nucleotide variant.
Coding change: c.1621+7T>C on transcript NM_170606.3 (MANE Select); 7 bases into the intron after coding-DNA position 1621, T replaced by C.
Molecular consequence: intron variant.
Genome position (GRCh38, 1-based): chr7:152,251,932, A>G on the plus strand (T>C on the coding strand, the complement: KMT2C is on the minus strand). VCF-style: chr7-152251932-A-G. GRCh37 (hg19) VCF-style: chr7-151949017-A-G.
Identifiers: ClinVar variation 3251778 (VCV003251778.1), dbSNP rs1432643437.